The following is an entry in ClinVar:

ClinVar aggregate classification (germline): Uncertain significance (1 of 4 stars; one submission).

Allele frequency attached by ClinVar (database versions not stated): gnomAD 0.00002; TOPMed 0.00002.
gnomAD v4.1: 2 of 1,209,508 alleles (0.00017%); highest among the groups gnomAD compares: African/African-American, 0.0035%; no homozygotes.

Submission:

Greenwood Genetic Center Diagnostic Laboratories, Greenwood Genetic Center
Classification: Uncertain significance. Last evaluated: 2023-12-20. Review status: criteria provided, single submitter. Criteria: ACMG Guidelines, 2015. Collection method: clinical testing. Allele origin: germline. Affected: yes.
Comment: PM2, BP4

NM_031407.7(HUWE1):c.7398A>G (p.Glu2466=)

Genes: HUWE1 (HECT, UBA and WWE domain containing E3 ubiquitin protein ligase 1; minus strand), LOC126863262 (MED14-independent group 3 enhancer GRCh37_chrX:53588722-53589921; plus strand). Cytogenetic location: Xp11.22.
Variant type: single nucleotide variant.
Coding change: c.7398A>G on transcript NM_031407.7 (MANE Select); coding-DNA position 7398, A replaced by G.
Protein change: p.Glu2466=; no amino-acid change (glutamic acid 2466 retained).
Molecular consequence: synonymous variant.
Genome position (GRCh38, 1-based): chrX:53,561,865, T>C on the plus strand (A>G on the coding strand, the complement: HUWE1 is on the minus strand). VCF-style: chrX-53561865-T-C. GRCh37 (hg19) VCF-style: chrX-53588826-T-C.
Identifiers: ClinVar variation 2692515 (VCV002692515.1), dbSNP rs1269639258, ClinGen allele CA516676948.